The following is an entry in ClinVar:

ClinVar aggregate classification (germline): Pathogenic/Likely pathogenic. Review status: criteria provided, multiple submitters, no conflicts (2 of 4 stars). 3 submissions from 3 submitters: Pathogenic (1); Likely pathogenic (1). 1 of the submissions does not count toward it. Last evaluated 2023-07-19.

Conditions:
Cornelia de Lange syndrome 4 (CDLS4). Also called: CORNELIA DE LANGE SYNDROME 4 WITH OR WITHOUT MIDLINE BRAIN DEFECTS; RAD21-Related Cornelia de Lange Syndrome. Identifiers: Orphanet 199, MedGen C3553517, MONDO:0013864, OMIM 614701.

Submissions (3):

GeneDx
Classification: Pathogenic. Last evaluated: 2023-07-19. Review status: criteria provided, single submitter. Criteria: GeneDx Variant Classification Process June 2021. Collection method: clinical testing. Allele origin: germline. Affected: yes.
Comment: Not observed at significant frequency in large population cohorts (gnomAD); In-frame deletion of 1 amino acids in a non-repeat region; In silico analysis supports a deleterious effect on protein structure/function; This variant is associated with the following publications: (PMID: 32193685, 30125677)

Bondeson Group, Uppsala University
Classification: Likely pathogenic for Cornelia de Lange syndrome 4. Last evaluated: 2018-04-25. Review status: criteria provided, single submitter. Criteria: ACMG Guidelines, 2015. Collection method: research. Allele origin: de novo. Inheritance: Autosomal dominant inheritance. Affected: yes. Observed: 1 variant allele, 1 heterozygote.
Comment: The structural model predicts that deletion of Gln592 results in rearrangement of the surrounding residues. In particular, a significant positional change of Lys591, now located in the space previously occupied by Gln592. As a result, the previous contact between Lys591 and the SMC1A residues Glu1191 and Glu1192 is discontinued, causing significant changes in the RAD21-SMC1A interface.

OMIM
Classification: Pathogenic for CORNELIA DE LANGE SYNDROME 4. Last evaluated: 2021-07-30. Review status: no assertion criteria provided. Collection method: literature only. Allele origin: germline. Not counted in ClinVar's aggregate classification.

Literature cited by the submitters: PubMed 30125677 (cited by Bondeson Group, Uppsala University and OMIM).

NM_006265.3(RAD21):c.1774_1776del (p.Gln592del)

Gene: RAD21 (RAD21 cohesin complex component; minus strand). Cytogenetic location: 8q24.11.
Variant type: Deletion.
Coding change: c.1774_1776del on transcript NM_006265.3 (MANE Select); coding-DNA positions 1774 to 1776, 3 bases deleted (CAA; older notation c.1774_1776delCAA).
Protein change: p.Gln592del; deletes glutamine 592.
Molecular consequence: inframe deletion.
Genome position (GRCh38, 1-based): chr8:116,847,620-116,847,622, TTG deleted on the plus strand (CAA on the coding strand, the reverse complement: RAD21 is on the minus strand); deleting any 3 consecutive bases within chr8:116,847,620-116,847,624 gives the same sequence; the c. name uses the placement nearest the transcript's 3' end. VCF-style (leftmost placement, unchanged base first): chr8-116847619-CTTG-C. GRCh37 (hg19) VCF-style: chr8-117859858-CTTG-C.
Other names: c.1774_1776delCAA (NM_006265.2); c.1774_1776del (NM_006265.2); short protein forms Q592del.
Identifiers: ClinVar variation 545121 (VCV000545121.6), dbSNP rs1563686762, ClinGen allele CA658821345.
Genomic context (GRCh38, chr8:116,847,619, plus strand): 5'-GTGTCAGCTCAATAGCTTGCTGCTTTTTAAGAACCAAGAAGCTGTAGAACTTTGCGGCAG[CTTG>C]TTTTCTGTTCGTATTTCGACATAACTCAAGCAAACTGATAGATTCAGCTCCAGTTTTAGC-3'